The following is an entry in ClinVar:

ClinVar aggregate classification (germline): Uncertain significance (1 of 4 stars; one submission).

Conditions:
Malignant hyperthermia, susceptibility to, 1 (MHS1). Also called: RYR1-Related Malignant Hyperthermia Susceptibility; Malignant hyperthermia suceptibility 1; Anesthesia related hyperthermia; Malignant hyperpyrexia; Fulminating hyperpyrexia; Pharmacogenic myopathy. Identifiers: Orphanet 423, MedGen C2930980, MONDO:0007783, OMIM 145600.

gnomAD v4.1: 2 of 1,614,238 alleles (0.00012%); highest among the groups gnomAD compares: Non-Finnish European, 0.00017%; no homozygotes.

Submission:

Color Diagnostics, LLC DBA Color Health
Classification: Uncertain significance for Malignant hyperthermia, susceptibility to, 1. Last evaluated: 2025-08-30. Review status: criteria provided, single submitter. Criteria: ACMG Guidelines, 2015. Collection method: clinical testing. Allele origin: germline.
Comment: This missense variant replaces valine with methionine at codon 4044 of the RYR1 protein. Computational prediction suggests that this variant may not impact protein structure and function. To our knowledge, functional studies have not been reported for this variant. This variant has not been reported in individuals affected with RYR1-related disorders in the literature. This variant has not been identified in the general population by the Genome Aggregation Database (gnomAD). The available evidence is insufficient to determine the role of this variant in disease conclusively. Therefore, this variant is classified as a Variant of Uncertain Significance.

NM_000540.3(RYR1):c.12130G>A (p.Val4044Met)

Gene: RYR1 (ryanodine receptor 1; plus strand). Cytogenetic location: 19q13.2.
Variant type: single nucleotide variant.
Coding change: c.12130G>A on transcript NM_000540.3 (MANE Select); coding-DNA position 12130, G replaced by A.
Protein change: p.Val4044Met; replaces valine 4044 with methionine.
Molecular consequence: missense variant.
Genome position (GRCh38, 1-based): chr19:38,548,268, G>A. VCF-style: chr19-38548268-G-A. GRCh37 (hg19) VCF-style: chr19-39038908-G-A.
Other names: c.12115G>A, p.Val4039Met (NM_001042723.2); short protein forms V4039M, V4044M.
Identifiers: ClinVar variation 4756149 (VCV004756149.1).